The following is an entry in ClinVar:

ClinVar aggregate classification (germline): Uncertain significance (1 of 4 stars; one submission).

Conditions:
Congenital factor V deficiency. Also called: LABILE FACTOR DEFICIENCY; OWREN PARAHEMOPHILIA; PARAHEMOPHILIA; Hereditary factor V deficiency disease. Identifiers: Orphanet 326, MedGen C0015499, MONDO:0009210, OMIM 227400.

Submission:

Labcorp Genetics (formerly Invitae), Labcorp
Classification: Uncertain significance for Congenital factor V deficiency. Last evaluated: 2025-06-04. Review status: criteria provided, single submitter. Criteria: Invitae Variant Classification Sherloc (09022015). Collection method: clinical testing. Allele origin: germline.
Comment: This sequence change replaces serine, which is neutral and polar, with arginine, which is basic and polar, at codon 1344 of the F5 protein (p.Ser1344Arg). This variant is present in population databases (no rsID available, gnomAD 0.0009%). This variant has not been reported in the literature in individuals affected with F5-related conditions. Invitae Evidence Modeling of protein sequence and biophysical properties (such as structural, functional, and spatial information, amino acid conservation, physicochemical variation, residue mobility, and thermodynamic stability) indicates that this missense variant is not expected to disrupt F5 protein function with a negative predictive value of 80%. In summary, the available evidence is currently insufficient to determine the role of this variant in disease. Therefore, it has been classified as a Variant of Uncertain Significance.

NM_000130.5(F5):c.4032T>G (p.Ser1344Arg)

Gene: F5 (coagulation factor V; minus strand). Cytogenetic location: 1q24.2.
Variant type: single nucleotide variant.
Coding change: c.4032T>G on transcript NM_000130.5 (MANE Select); coding-DNA position 4032, T replaced by G.
Protein change: p.Ser1344Arg; replaces serine 1344 with arginine.
Molecular consequence: missense variant.
Genome position (GRCh38, 1-based): chr1:169,541,058, A>C on the plus strand (T>G on the coding strand, the complement: F5 is on the minus strand). VCF-style: chr1-169541058-A-C. GRCh37 (hg19) VCF-style: chr1-169510296-A-C.
Other names: short protein forms S1344R.
Identifiers: ClinVar variation 4750134 (VCV004750134.1).